The following is an entry in ClinVar:

NM_000213.5(ITGB4):c.2260A>G (p.Met754Val)

Gene: ITGB4 (integrin subunit beta 4; plus strand). Cytogenetic location: 17q25.1.
Variant type: single nucleotide variant.
Coding change: c.2260A>G on transcript NM_000213.5 (MANE Select); coding-DNA position 2260, A replaced by G.
Protein change: p.Met754Val; replaces methionine 754 with valine.
Molecular consequence: missense variant.
Genome position (GRCh38, 1-based): chr17:75,739,885, A>G. VCF-style: chr17-75739885-A-G. GRCh37 (hg19) VCF-style: chr17-73735966-A-G.
Other names: c.2260A>G (NM_000213.4); c.2260A>G, p.Met754Val (NM_001005619.2, NM_001005731.3, NM_001321123.2); short protein forms M754V.
Identifiers: ClinVar variation 3861698 (VCV003861698.2).

ClinVar aggregate classification (germline): Uncertain significance. Review status: criteria provided, multiple submitters, no conflicts (2 of 4 stars). 2 submissions from 2 submitters: Uncertain significance (2). Last evaluated 2026-02-15.

Conditions:
ITGB4-related disorder. Also called: ITGB4-related condition.
Inborn genetic diseases. Identifiers: MedGen C0950123, MeSH D030342.

gnomAD v4.1: 4 of 1,613,594 alleles (0.00025%); highest among the groups gnomAD compares: East Asian, 0.0067%; no homozygotes.

Submissions (2):

PreventionGenetics, part of Exact Sciences
Classification: Uncertain significance for ITGB4-related condition. Last evaluated: 2026-02-15. Review status: criteria provided, single submitter. Criteria: ACMG Guidelines, 2015. Collection method: clinical testing. Allele origin: germline.
Comment: The ITGB4 c.2260A>G variant is predicted to result in the amino acid substitution p.Met754Val. To our knowledge, this variant has not been reported in the literature. This variant is reported in 0.016% of alleles in individuals of East Asian descent in gnomAD. At this time, the clinical significance of this variant is uncertain due to the absence of conclusive functional and genetic evidence.

Ambry Genetics
Classification: Uncertain significance for Inborn genetic diseases. Last evaluated: 2025-02-03. Review status: criteria provided, single submitter. Criteria: Ambry Variant Classification Scheme 2023. Collection method: clinical testing. Allele origin: germline.